The following is an entry in ClinVar:

NM_000183.3(HADHB):c.1174_1176del (p.Ala392del)

Gene: HADHB (hydroxyacyl-CoA dehydrogenase trifunctional multienzyme complex subunit beta; plus strand). Cytogenetic location: 2p23.3.
Variant type: Deletion.
Coding change: c.1174_1176del on transcript NM_000183.3 (MANE Select); coding-DNA positions 1174 to 1176, 3 bases deleted (GCC; older notation c.1174_1176delGCC).
Protein change: p.Ala392del; deletes alanine 392.
Molecular consequence: inframe deletion.
Genome position (GRCh38, 1-based): chr2:26,284,907-26,284,909, GCC deleted. VCF-style (leftmost placement, unchanged base first): chr2-26284906-AGCC-A. GRCh37 (hg19) VCF-style: chr2-26507774-AGCC-A.
Other names: c.1129_1131del, p.Ala377del (NM_001281512.2); c.1108_1110del, p.Ala370del (NM_001281513.2); short protein forms A370del, A377del, A392del.
Identifiers: ClinVar variation 3237180 (VCV003237180.1), dbSNP rs2465737193.
Genomic context (GRCh38, chr2:26,284,906, plus strand): 5'-AATAACGAGGTTCTTATTCGATTATTTTCTCTTCCAGGGTCAGATTTTGGCAAATTTTAA[AGCC>A]ATGGATTCTGATTGGTTTGCAGAAAACTACATGGGTAGAAAAACCAAGGTGAGTTTCTAA-3'

ClinVar aggregate classification (germline): Likely pathogenic (1 of 4 stars; one submission).

Conditions:
Mitochondrial trifunctional protein deficiency 2 (MTPD2). Identifiers: MedGen C5830374, MONDO:0958185, OMIM 620300.

Submission:

HUSP Clinical Genetics Laboratory, Hospital Universitario San Pedro De Logroño (HUSP)
Classification: Likely pathogenic for Mitochondrial trifunctional protein deficiency 2. Review status: criteria provided, single submitter. Criteria: ACMG Guidelines, 2015. Collection method: clinical testing. Allele origin: biparental. Inheritance: Autosomal recessive inheritance. Affected: yes. Observed: 1 variant allele.
Comment: It results in a amino acid deletion in the codificated protein (p.Ala392del). This variant is not detected in general population and has not been reported in pathogenic data bases. Pathogenic variants in HADHB have been associated with Mitochondrial trifunctional protein deficiency-2 (OMIM: 620300). This clinical entity can be classified into 3 main clinical phenotypes of which the most severe is neonatal cardiomyopathy, severe metabolic acidosis and early death of the newborn. The inheritance pattern is autosomal recessive.